The following is an entry in ClinVar:

ClinVar aggregate classification (germline): Uncertain significance. Review status: criteria provided, multiple submitters, no conflicts (2 of 4 stars). 3 submissions from 3 submitters: Uncertain significance (3). Last evaluated 2025-07-25.

Conditions:
Cardiovascular phenotype. Identifiers: MedGen CN230736.
Familial hypercholesterolemia. Also called: Familial hypercholesterolemias; Familial hypercholesterolaemia. Identifiers: MedGen C0020445, MONDO:0005439.
Hypercholesterolemia, autosomal dominant, 3 (FHCL3). Also called: Familial hypercholesterolemia 3; Familial Hypercholesterolemia, Autosomal Dominant, 3; PCSK9-Related Familial Hypercholesterolemia, Autosomal Dominant. Identifiers: MedGen C1863551, MONDO:0011369, OMIM 603776.

Submissions (3):

Color Diagnostics, LLC DBA Color Health
Classification: Uncertain significance for Familial hypercholesterolemia. Last evaluated: 2025-07-25. Review status: criteria provided, single submitter. Criteria: ACMG Guidelines, 2015. Collection method: clinical testing. Allele origin: germline.
Comment: This variant deletes one nucleotide in intron 3 of the PCSK9 gene. To our knowledge, functional studies have not been reported for this variant. This variant has not been reported in individuals affected with PCSK9-related disorders in the literature. This variant has not been identified in the general population by the Genome Aggregation Database (gnomAD). The available evidence is insufficient to determine the role of this variant in disease conclusively. Therefore, this variant is classified as a Variant of Uncertain Significance.

Ambry Genetics
Classification: Uncertain significance for Cardiovascular phenotype. Last evaluated: 2023-09-20. Review status: criteria provided, single submitter. Criteria: Ambry Variant Classification Scheme 2023. Collection method: clinical testing. Allele origin: germline.
Comment: The c.524-2delA intronic variant is located located two nucleotides before coding exon 4 of the PCSK9 gene. This variant results from a deletion of one nucleotide at position c.524-2. This nucleotide position is highly conserved in available vertebrate species. In silico splice site analysis predicts that this alteration will not have any significant effect on splicing. Since supporting evidence is limited at this time, the clinical significance of this alteration remains unclear.

Fulgent Genetics
Classification: Uncertain significance for Hypercholesterolemia, autosomal dominant, 3. Last evaluated: 2021-09-04. Review status: criteria provided, single submitter. Criteria: ACMG Guidelines, 2015. Collection method: clinical testing. Allele origin: unknown.

NM_174936.4(PCSK9):c.524-2del

Gene: PCSK9 (proprotein convertase subtilisin/kexin type 9; plus strand). Cytogenetic location: 1p32.3.
Variant type: Deletion.
Coding change: c.524-2del on transcript NM_174936.4 (MANE Select); the canonical splice acceptor site of the intron before coding-DNA position 524, one base deleted (A; older notation c.524-2delA).
Molecular consequence: splice acceptor variant.
Genome position (GRCh38, 1-based): chr1:55,052,276, A deleted; the last of 3 consecutive A bases (chr1:55,052,274-55,052,276); deleting any one gives the same sequence. VCF-style (leftmost placement, unchanged base first): chr1-55052273-GA-G. GRCh37 (hg19) VCF-style: chr1-55517946-GA-G.
Other names: c.467-2del (NM_001407243.1); c.332-2del (NM_001407245.1); c.149-2del (NM_001407246.1); c.647-2del (NM_001407240.1); c.524-2del (NM_001407242.1, NM_001407241.1, NM_001407244.1 and 1 more transcripts); c.524-2delA (NM_174936.3).
Identifiers: ClinVar variation 920644 (VCV000920644.6), dbSNP rs1644679774, ClinGen allele CA1139656131.